The following is an entry in ClinVar:

NM_002250.3(KCNN4):c.868G>T (p.Glu290Ter)

Gene: KCNN4 (potassium calcium-activated channel subfamily N member 4; minus strand). Cytogenetic location: 19q13.31.
Variant type: single nucleotide variant.
Coding change: c.868G>T on transcript NM_002250.3 (MANE Select); coding-DNA position 868, G replaced by T.
Protein change: p.Glu290Ter; replaces glutamic acid 290 with a stop codon.
Molecular consequence: nonsense.
Genome position (GRCh38, 1-based): chr19:43,769,781, C>A on the plus strand (G>T on the coding strand, the complement: KCNN4 is on the minus strand). VCF-style: chr19-43769781-C-A. GRCh37 (hg19) VCF-style: chr19-44273933-C-A.
Other names: short protein forms E290*.
Identifiers: ClinVar variation 4992588 (VCV004992588.1).

ClinVar aggregate classification (germline): Uncertain significance (1 of 4 stars; one submission).

Conditions:
KCNN4-related disorder. Also called: KCNN4-related condition.

Submission:

PreventionGenetics, part of Exact Sciences
Classification: Uncertain significance for KCNN4-related condition. Last evaluated: 2026-06-06. Review status: criteria provided, single submitter. Criteria: ACMG Guidelines, 2015. Collection method: clinical testing. Allele origin: germline.
Comment: The KCNN4 c.868G>T variant is predicted to result in premature protein termination (p.Glu290*). To our knowledge, this variant has not been reported in the literature. Loss of function is not an established mechanism of KCNN4-related disease. This variant is reported in 0.0044% of alleles in individuals of European (Non-Finnish) descent in gnomAD. At this time, the clinical significance of this variant is uncertain due to the absence of conclusive functional and genetic evidence.